The following is an entry in ClinVar:

ClinVar aggregate classification (germline): Pathogenic. Review status: reviewed by expert panel (3 of 4 stars). 8 submissions from 8 submitters: Pathogenic (1). 7 of the submissions do not count toward it. Last evaluated 2023-08-29.

Conditions:
CDH1-related diffuse gastric and lobular breast cancer syndrome. Also called: CDH1-related diffuse gastric and lobular breast cancer. Identifiers: MedGen CN311521, MONDO:0100488.
Hereditary cancer-predisposing syndrome. Also called: Hereditary Cancer Syndrome; Neoplastic Syndromes, Hereditary; Tumor predisposition; Hereditary neoplastic syndrome. Identifiers: Orphanet 140162, MedGen C0027672, MeSH D009386, MONDO:0015356.
Hereditary diffuse gastric adenocarcinoma (HDGC). Also called: DIFFUSE GASTRIC AND LOBULAR BREAST CANCER SYNDROME. Identifiers: Orphanet 26106, MedGen C1708349, MONDO:0007648, OMIM 137215.
Familial cancer of breast. Also called: BREAST CANCER, FAMILIAL; Hereditary breast cancer; hereditary breast carcinoma. Identifiers: Orphanet 227535, MedGen C0346153, MONDO:0016419, OMIM 114480. Disease mechanism: loss of function.

Submissions (8):

Clingen Gastric Cancer Variant Curation Expert Panel
Classification: Pathogenic for CDH1-related diffuse gastric and lobular breast cancer syndrome. Last evaluated: 2023-08-29. Review status: reviewed by expert panel. Criteria: ClinGen CDH1 ACMG Specifications V3.1. Collection method: curation. Allele origin: germline. Inheritance: Autosomal dominant inheritance.
Comment: The c.2430delT (p.Phe810Leufs*6) variant is predicted to result in a premature stop codon that leads to a truncated protein. However, it is located within the nonsense mediated decay resistance region upstream of c.2506G>T (p.Glu836*) (PVS1_Strong). This variant is absent in the gnomAD cohort (PM2_Supporting). This variant has been reported in at least 4 families meeting HDGC clinical criteria (PS4; PMID 26182300, SCV000261293.4, SCV000218032.4). In summary, this variant meets criteria to be classified as pathogenic based on the ACMG/AMP criteria applied as specified by the CDH1 Variant Curation Expert Panel (Variant Interpretation Guidelines Version 3.1): PVS1_Strong, PM2_Supporting, PS4.

Labcorp Genetics (formerly Invitae), Labcorp
Classification: Pathogenic for Hereditary diffuse gastric adenocarcinoma. Last evaluated: 2025-07-17. Review status: criteria provided, single submitter. Criteria: Invitae Variant Classification Sherloc (09022015). Collection method: clinical testing. Allele origin: germline. Not counted in ClinVar's aggregate classification.
Comment: This sequence change creates a premature translational stop signal (p.Phe810Leufs*6) in the CDH1 gene. While this is not anticipated to result in nonsense mediated decay, it is expected to disrupt the last 73 amino acid(s) of the CDH1 protein. This variant is not present in population databases (gnomAD no frequency). This premature translational stop signal has been observed in individuals with diffuse gastric cancer and gastric cancer (PMID: 26182300; internal data). ClinVar contains an entry for this variant (Variation ID: 187464). This variant disrupt the cytoplasmic domain of the CDH1 (E-cadherin) protein, including the PIP5K1C and CTNNB1 binding domains (PMID: 22850631, 19268661) which are necessary for E-cadherin function. While functional studies have not been performed to directly test the effect of this variant on CDH1 protein function, this suggests that disruption of this region of the protein is causative of disease. For these reasons, this variant has been classified as Pathogenic.

Ambry Genetics
Classification: Pathogenic for Hereditary cancer-predisposing syndrome. Last evaluated: 2024-01-05. Review status: criteria provided, single submitter. Criteria: Ambry Variant Classification Scheme 2023. Collection method: clinical testing. Allele origin: germline. Not counted in ClinVar's aggregate classification.
Comment: The c.2430delT pathogenic mutation, located in coding exon 15 of the CDH1 gene, results from a deletion of one nucleotide at nucleotide position 2430, causing a translational frameshift with a predicted alternate stop codon (p.F810Lfs*6). In addition, a mutation resulting in the same stop codon (c.2398delC) has been seen in multiple patients and families with diffuse gastric cancer and lobular breast cancer (Kaurah P et al. JAMA. 2007 Jun;297(21):2360-72; Petridis C et al. Br. J. Cancer. 2014 Feb;110(4):1053-7). This variant is considered to be rare based on population cohorts in the Genome Aggregation Database (gnomAD). In addition to the clinical data presented in the literature, this alteration is expected to result in loss of function by premature protein truncation. As such, this alteration is interpreted as a disease-causing mutation.

Myriad Genetics, Inc.
Classification: Pathogenic for Hereditary diffuse gastric adenocarcinoma. Last evaluated: 2023-06-15. Review status: criteria provided, single submitter. Criteria: Myriad Autosomal Dominant, Autosomal Recessive and X-Linked Classification Criteria (2023). Collection method: clinical testing. Allele origin: unknown. Not counted in ClinVar's aggregate classification.
Comment: This variant is considered pathogenic. This variant creates a frameshift predicted to result in premature protein truncation.

Baylor Genetics
Classification: Pathogenic for Familial cancer of breast. Last evaluated: 2023-02-22. Review status: criteria provided, single submitter. Criteria: ACMG Guidelines, 2015. Collection method: clinical testing. Allele origin: unknown. Not counted in ClinVar's aggregate classification.

Color Diagnostics, LLC DBA Color Health
Classification: Pathogenic for Hereditary cancer-predisposing syndrome. Last evaluated: 2020-01-15. Review status: criteria provided, single submitter. Criteria: ACMG Guidelines, 2015. Collection method: clinical testing. Allele origin: germline. Not counted in ClinVar's aggregate classification.
Comment: This variant deletes 1 nucleotide in exon 15 of the CDH1 gene, creating a frameshift and premature translation stop signal. This variant is expected to result in an absent or non-functional protein product. This variant has not been identified in the general population by the Genome Aggregation Database (gnomAD). Loss of CDH1 function is a known mechanism of disease. Based on the available evidence, this variant is classified as Pathogenic.

GeneDx
Classification: Pathogenic. Last evaluated: 2018-04-30. Review status: criteria provided, single submitter. Criteria: GeneDx Variant Classification (06012015). Collection method: clinical testing. Allele origin: germline. Affected: yes. Not counted in ClinVar's aggregate classification.
Comment: This deletion of one nucleotide in CDH1 is denoted c.2430delT at the cDNA level and p.Phe810LeufsX6 (F810LfsX6) at the protein level. The normal sequence, with the base that is deleted in brackets, is ATTT[delT]ATTG. The deletion causes a frameshift, which changes a Phenylalanine to a Leucine at codon 810, and creates a premature stop codon at position 6 of the new reading frame. This variant has been reported in a family with a diagnosis of Hereditary Diffuse Gastric Cancer (Hansford 2015). We consider this variant to be pathogenic.

Women's Health and Genetics/Laboratory Corporation of America, LabCorp
Classification: Likely pathogenic for Hereditary diffuse gastric cancer. Last evaluated: 2018-02-16. Review status: criteria provided, single submitter. Criteria: LabCorp Variant Classification Summary - May 2015. Collection method: clinical testing. Allele origin: germline. Not counted in ClinVar's aggregate classification.
Comment: Variant summary: CDH1 c.2430delT (p.Phe810LeufsX6) results in a premature termination codon, predicted to cause a truncation of the encoded protein or absence of the protein due to nonsense mediated decay, which are commonly known mechanisms for disease. The variant was absent in 120568 control chromosomes. c.2430delT has been reported in the literature in at least one individual affected with Diffuse Gastric Cancer. To our knowledge, no experimental evidence demonstrating an impact on protein function has been reported. Three clinical diagnostic laboratories have submitted clinical-significance assessments for this variant to ClinVar after 2014 without evidence for independent evaluation. All laboratories classified the variant as pathogenic. Based on the evidence outlined above, the variant was classified as likely pathogenic.

Literature cited by the submitters: PubMed 26182300 (cited by 4 submitters); PubMed 22850631 (cited by Labcorp Genetics (formerly Invitae), Labcorp); PubMed 19268661 (cited by Labcorp Genetics (formerly Invitae), Labcorp).

NM_004360.5(CDH1):c.2430del (p.Phe810fs)

Gene: CDH1 (cadherin 1; plus strand). Cytogenetic location: 16q22.1.
Variant type: Deletion.
Coding change: c.2430del on transcript NM_004360.5 (MANE Select); coding-DNA position 2430, one base deleted (T; older notation c.2430delT).
Protein change: p.Phe810fs; shifts the reading frame from phenylalanine 810.
Molecular consequence: frameshift variant.
Genome position (GRCh38, 1-based): chr16:68,829,788, T deleted; the last of 4 consecutive T bases (chr16:68,829,785-68,829,788); deleting any one gives the same sequence. VCF-style (leftmost placement, unchanged base first): chr16-68829784-AT-A. GRCh37 (hg19) VCF-style: chr16-68863687-AT-A.
Other names: NM_004360.4(CDH1):c.2430delT; c.2430del (LRG_301t1, NM_004360.4); c.2247del, p.Phe749fs (NM_001317184.2); c.882del, p.Phe294fs (NM_001317185.2); c.465del, p.Phe155fs (NM_001317186.2); short protein forms F810fs, F155fs, F749fs, F294fs.
Identifiers: ClinVar variation 187464 (VCV000187464.27), dbSNP rs786203752, ClinGen allele CA197715.